The following is an entry in ClinVar:

NM_000419.5(ITGA2B):c.2396G>C (p.Arg799Thr)

Gene: ITGA2B (integrin subunit alpha 2b; minus strand). Cytogenetic location: 17q21.31.
Variant type: single nucleotide variant.
Coding change: c.2396G>C on transcript NM_000419.5 (MANE Select); coding-DNA position 2396, G replaced by C.
Protein change: p.Arg799Thr; replaces arginine 799 with threonine.
Molecular consequence: missense variant.
Genome position (GRCh38, 1-based): chr17:44,376,137, C>G on the plus strand (G>C on the coding strand, the complement: ITGA2B is on the minus strand). VCF-style: chr17-44376137-C-G. GRCh37 (hg19) VCF-style: chr17-42453505-C-G.
Other names: short protein forms R799T.
Identifiers: ClinVar variation 2915170 (VCV002915170.3), dbSNP rs776803112, ClinGen allele CA8602696.

ClinVar aggregate classification (germline): Uncertain significance (1 of 4 stars; one submission).

Conditions:
Glanzmann thrombasthenia. Also called: BLEEDING DISORDER, PLATELET-TYPE, 2; THROMBASTHENIA OF GLANZMANN AND NAEGELI; Thrombasthenia; PLATELET GLYCOPROTEIN IIb-IIIa DEFICIENCY; Glanzmann's thrombasthenia. Identifiers: Orphanet 849, MedGen C0040015, MONDO:0100326.

Allele frequency attached by ClinVar (database versions not stated): gnomAD 0.00001.
gnomAD v4.1: 13 of 1,614,054 alleles (0.00081%); highest among the groups gnomAD compares: Non-Finnish European, 0.001%; no homozygotes.

Submission:

Labcorp Genetics (formerly Invitae), Labcorp
Classification: Uncertain significance for Glanzmann thrombasthenia. Last evaluated: 2024-05-23. Review status: criteria provided, single submitter. Criteria: Invitae Variant Classification Sherloc (09022015). Collection method: clinical testing. Allele origin: germline.
Comment: This sequence change replaces arginine, which is basic and polar, with threonine, which is neutral and polar, at codon 799 of the ITGA2B protein (p.Arg799Thr). This variant is present in population databases (rs776803112, gnomAD 0.0009%). This variant has not been reported in the literature in individuals affected with ITGA2B-related conditions. An algorithm developed to predict the effect of missense changes on protein structure and function (PolyPhen-2) suggests that this variant is likely to be tolerated. In summary, the available evidence is currently insufficient to determine the role of this variant in disease. Therefore, it has been classified as a Variant of Uncertain Significance.